The following is an entry in ClinVar:

NM_001378454.1(ALMS1):c.6094G>A (p.Gly2032Arg)

Gene: ALMS1 (ALMS1 centrosome and basal body associated protein; plus strand). Cytogenetic location: 2p13.1.
Variant type: single nucleotide variant.
Coding change: c.6094G>A on transcript NM_001378454.1 (MANE Select); coding-DNA position 6094, G replaced by A.
Protein change: p.Gly2032Arg; replaces glycine 2032 with arginine.
Molecular consequence: missense variant.
Genome position (GRCh38, 1-based): chr2:73,452,621, G>A. VCF-style: chr2-73452621-G-A. GRCh37 (hg19) VCF-style: chr2-73679748-G-A.
Other names: c.6097G>A, p.Gly2033Arg (NM_015120.4); short protein forms G2032R, G2033R.
Identifiers: ClinVar variation 1416231 (VCV001416231.3), dbSNP rs1671971419, ClinGen allele CA347284842.

ClinVar aggregate classification (germline): Uncertain significance (1 of 4 stars; one submission).

Conditions:
Alstrom syndrome (ALMS). Identifiers: Orphanet 64, MedGen C0268425, MONDO:0008763, OMIM 203800.

Submission:

Labcorp Genetics (formerly Invitae), Labcorp
Classification: Uncertain significance for Alstrom syndrome. Last evaluated: 2021-08-26. Review status: criteria provided, single submitter. Criteria: Invitae Variant Classification Sherloc (09022015). Collection method: clinical testing. Allele origin: germline.
Comment: This sequence change replaces glycine with arginine at codon 2033 of the ALMS1 protein (p.Gly2033Arg). The glycine residue is weakly conserved and there is a moderate physicochemical difference between glycine and arginine. This variant is not present in population databases (ExAC no frequency). This variant has not been reported in the literature in individuals affected with ALMS1-related conditions. In summary, the available evidence is currently insufficient to determine the role of this variant in disease. Therefore, it has been classified as a Variant of Uncertain Significance.